The following is an entry in ClinVar:

ClinVar aggregate classification (germline): Uncertain significance. Review status: criteria provided, multiple submitters, no conflicts (2 of 4 stars). 2 submissions from 2 submitters: Uncertain significance (2). Last evaluated 2022-12-06.

Allele frequency attached by ClinVar (database versions not stated): TOPMed 0.00001.
gnomAD v4.1: 1 of 1,578,634 alleles (0.000063%); highest among the groups gnomAD compares: Admixed American, 0.0018%; no homozygotes.

Submissions (2):

GeneDx
Classification: Uncertain significance. Last evaluated: 2022-12-06. Review status: criteria provided, single submitter. Criteria: GeneDx Variant Classification Process June 2021. Collection method: clinical testing. Allele origin: germline. Affected: yes.
Comment: Not observed at significant frequency in large population cohorts (gnomAD); In silico analysis supports that this missense variant has a deleterious effect on protein structure/function; Has not been previously published as pathogenic or benign to our knowledge

Labcorp Genetics (formerly Invitae), Labcorp
Classification: Uncertain significance. Last evaluated: 2022-08-03. Review status: criteria provided, single submitter. Criteria: Invitae Variant Classification Sherloc (09022015). Collection method: clinical testing. Allele origin: germline.
Comment: This variant has not been reported in the literature in individuals affected with APC2-related conditions. This sequence change replaces arginine, which is basic and polar, with cysteine, which is neutral and slightly polar, at codon 293 of the APC2 protein (p.Arg293Cys). This variant is not present in population databases (gnomAD no frequency). Algorithms developed to predict the effect of missense changes on protein structure and function are either unavailable or do not agree on the potential impact of this missense change (SIFT: "Deleterious"; PolyPhen-2: "Probably Damaging"; Align-GVGD: "Class C0"). In summary, the available evidence is currently insufficient to determine the role of this variant in disease. Therefore, it has been classified as a Variant of Uncertain Significance.

NM_005883.3(APC2):c.877C>T (p.Arg293Cys)

Gene: APC2 (APC regulator of Wnt signaling pathway 2; plus strand). Cytogenetic location: 19p13.3.
Variant type: single nucleotide variant.
Coding change: c.877C>T on transcript NM_005883.3 (MANE Select); coding-DNA position 877, C replaced by T.
Protein change: p.Arg293Cys; replaces arginine 293 with cysteine.
Molecular consequence: missense variant.
Genome position (GRCh38, 1-based): chr19:1,456,913, C>T. VCF-style: chr19-1456913-C-T. GRCh37 (hg19) VCF-style: chr19-1456912-C-T.
Other names: c.877C>T (NM_005883.2); c.874C>T, p.Arg292Cys (NM_001351273.1); short protein forms R292C, R293C.
Identifiers: ClinVar variation 2002662 (VCV002002662.5), dbSNP rs768478428, ClinGen allele CA403014451.
Genomic context (GRCh38, chr19:1,456,913, plus strand): 5'-GTGGAGGTGGTCTTCTGGCTGTTGTCCATGTTGGCGACGCGCGACCAGGAGGATACAGCG[C>T]GCACGCTGCTGGCCATGTCCAGCTCGCCCGAGAGCTGCGTGGCCATGCGCCGCTCGGGCT-3'
Protein context (NP_005874.1, residues 283-303): LATRDQEDTA[Arg293Cys]TLLAMSSSPE